The following is an entry in ClinVar:

NM_000307.5(POU3F4):c.375del (p.Ser126fs)

Gene: POU3F4 (POU class 3 homeobox 4; plus strand). Cytogenetic location: Xq21.1.
Variant type: Deletion.
Coding change: c.375del on transcript NM_000307.5 (MANE Select); coding-DNA position 375, one base deleted (G; older notation c.375delG).
Protein change: p.Ser126fs; shifts the reading frame from serine 126.
Molecular consequence: frameshift variant.
Genome position (GRCh38, 1-based): chrX:83,508,699, G deleted. VCF-style (leftmost placement, unchanged base first): chrX-83508698-CG-C. GRCh37 (hg19) VCF-style: chrX-82763706-CG-C.
Other names: short protein forms S126fs.
Identifiers: ClinVar variation 3601659 (VCV003601659.1).

ClinVar aggregate classification (germline): Pathogenic (1 of 4 stars; one submission).

Conditions:
X-linked mixed hearing loss with perilymphatic gusher. Also called: Deafness, X-linked 2; NANCE DEAFNESS; PERILYMPHATIC GUSHER-DEAFNESS SYNDROME; SENSORINEURAL DEAFNESS, PROFOUND, WITH OR WITHOUT A CONDUCTIVE COMPONENT, ASSOCIATED WITH A UNIQUE DEVELOPMENTAL ABNORMALITY OF THE EAR; Gusher syndrome. Identifiers: Orphanet 383, MedGen C1844678, MONDO:0010576, OMIM 304400.

Submission:

Institute of Rare Diseases, West China Hospital, Sichuan University
Classification: Pathogenic for X-linked mixed hearing loss with perilymphatic gusher. Last evaluated: 2025-01-09. Review status: criteria provided, single submitter. Criteria: ClinGen HL ACMG Specifications v1. Collection method: research. Allele origin: germline. Affected: yes.
Comment: PVS1;PM3_Supporting;PP4;PM2_Supporting